The following is an entry in ClinVar:

NM_000051.4(ATM):c.7028A>G (p.Asn2343Ser)

Genes: ATM (ATM serine/threonine kinase; plus strand), C11orf65 (chromosome 11 open reading frame 65; minus strand). Cytogenetic location: 11q22.3.
Variant type: single nucleotide variant.
Coding change: c.7028A>G on transcript NM_000051.4 (MANE Select); coding-DNA position 7028, A replaced by G.
Protein change: p.Asn2343Ser; replaces asparagine 2343 with serine.
Molecular consequence: missense variant. On other transcripts: intron variant (2).
Genome position (GRCh38, 1-based): chr11:108,327,697, A>G. VCF-style: chr11-108327697-A-G. GRCh37 (hg19) VCF-style: chr11-108198424-A-G.
Other names: c.7028A>G, p.Asn2343Ser (NM_001351834.2); c.641-18626T>C (NM_001330368.2); c.*38+7523T>C (NM_001351110.2); short protein forms N2343S.
Identifiers: ClinVar variation 230331 (VCV000230331.7), dbSNP rs876658507, ClinGen allele CA10579248.

ClinVar aggregate classification (germline): Uncertain significance (1 of 4 stars; one submission).

Conditions:
Hereditary cancer-predisposing syndrome. Also called: Neoplastic Syndromes, Hereditary; Hereditary neoplastic syndrome; Tumor predisposition; Hereditary Cancer Syndrome. Identifiers: Orphanet 140162, MedGen C0027672, MeSH D009386, MONDO:0015356.

Submission:

Ambry Genetics
Classification: Uncertain significance for Hereditary cancer-predisposing syndrome. Last evaluated: 2015-02-11. Review status: criteria provided, single submitter. Criteria: Ambry Variant Classification Scheme 2023. Collection method: clinical testing. Allele origin: germline.
Comment: The p.N2343S variant (also known as c.7028A>G), located in coding exon 47 of the ATM gene, results from an A to G substitution at nucleotide position 7028. The asparagine at codon 2343 is replaced by serine, an amino acid with highly similar properties. In a meta-analysis of numerous studies assessing the contribution of ATM alterations to breast cancer risk, this alteration was detected in 1/4112 cases and in 0/2399 controls (Tavtigian SV, Am. J. Hum. Genet. 2009 Oct; 85(4):427-46). This variant was not reported in population based cohorts in the following databases: Database of Single Nucleotide Polymorphisms (dbSNP), NHLBI Exome Sequencing Project (ESP), and 1000 Genomes Project. In the ESP, this variant was not observed in 6499 samples (12998 alleles) with coverage at this position. To date, this alteration has been detected with an allele frequency of approximately 0.002% (greater than 41000 alleles tested) in our clinical cohort. This amino acid position is poorly conserved in available vertebrate species. In addition, this alteration is predicted to be tolerated by in silico analysis. Since supporting evidence is limited at this time, the clinical significance of p.N2343S remains unclear.

Literature cited by the submitters: PubMed 12810666; PubMed 19781682.